The following is an entry in ClinVar:

ClinVar aggregate classification (germline): Uncertain significance (1 of 4 stars; one submission).

Conditions:
Malignant hyperthermia, susceptibility to, 5 (MHS5). Also called: CACNA1S-Related Malignant Hyperthermia Susceptibility. Identifiers: Orphanet 423, MedGen C1866077, MONDO:0011163, OMIM 601887.

gnomAD v4.1: 4 of 1,614,202 alleles (0.00025%); highest among the groups gnomAD compares: African/African-American, 0.0013%; no homozygotes.

Submission:

Color Diagnostics, LLC DBA Color Health
Classification: Uncertain significance for Malignant hyperthermia, susceptibility to, 5. Last evaluated: 2025-06-23. Review status: criteria provided, single submitter. Criteria: ACMG Guidelines, 2015. Collection method: clinical testing. Allele origin: germline.
Comment: This missense variant replaces methionine with valine at codon 483 of the CACNA1S protein. Computational prediction suggests that this variant may have deleterious impact on protein structure and function. To our knowledge, functional studies have not been reported for this variant. This variant has not been reported in individuals affected with CACNA1S-related disorders in the literature. This variant has not been identified in the general population by the Genome Aggregation Database (gnomAD). The available evidence is insufficient to determine the role of this variant in disease conclusively. Therefore, this variant is classified as a Variant of Uncertain Significance.

NM_000069.3(CACNA1S):c.1447A>G (p.Met483Val)

Gene: CACNA1S (calcium voltage-gated channel subunit alpha1 S; minus strand). Cytogenetic location: 1q32.1.
Variant type: single nucleotide variant.
Coding change: c.1447A>G on transcript NM_000069.3 (MANE Select); coding-DNA position 1447, A replaced by G.
Protein change: p.Met483Val; replaces methionine 483 with valine.
Molecular consequence: missense variant.
Genome position (GRCh38, 1-based): chr1:201,078,051, T>C on the plus strand (A>G on the coding strand, the complement: CACNA1S is on the minus strand). VCF-style: chr1-201078051-T-C. GRCh37 (hg19) VCF-style: chr1-201047179-T-C.
Other names: short protein forms M483V.
Identifiers: ClinVar variation 4758586 (VCV004758586.1).